The following is an entry in ClinVar:

NM_001040151.2(SCN3B):c.418C>A (p.Leu140Met)

Gene: SCN3B (sodium voltage-gated channel beta subunit 3; minus strand). Cytogenetic location: 11q24.1.
Variant type: single nucleotide variant.
Coding change: c.418C>A on transcript NM_001040151.2 (MANE Select); coding-DNA position 418, C replaced by A.
Protein change: p.Leu140Met; replaces leucine 140 with methionine.
Molecular consequence: missense variant.
Genome position (GRCh38, 1-based): chr11:123,642,473, G>T on the plus strand (C>A on the coding strand, the complement: SCN3B is on the minus strand). VCF-style: chr11-123642473-G-T. GRCh37 (hg19) VCF-style: chr11-123513181-G-T.
Other names: c.418C>A, p.Leu140Met (NM_018400.4); short protein forms L140M.
Identifiers: ClinVar variation 4864142 (VCV004864142.1).

ClinVar aggregate classification (germline): Uncertain significance (1 of 4 stars; one submission).

Conditions:
Cardiovascular phenotype. Identifiers: MedGen CN230736.

Submission:

Ambry Genetics
Classification: Uncertain significance for Cardiovascular phenotype. Last evaluated: 2026-06-06. Review status: criteria provided, single submitter. Criteria: Ambry Variant Classification Scheme 2023. Collection method: clinical testing. Allele origin: germline.
Comment: The p.L140M variant (also known as c.418C>A), located in coding exon 3 of the SCN3B gene, results from a C to A substitution at nucleotide position 418. The leucine at codon 140 is replaced by methionine, an amino acid with highly similar properties. This amino acid position is conserved. In addition, this alteration is predicted to be tolerated by in silico analysis. Based on the available evidence, the clinical significance of this variant remains unclear.